The following is an entry in ClinVar:

NM_000081.4(LYST):c.11135A>G (p.Asn3712Ser)

Gene: LYST (lysosomal trafficking regulator; minus strand). Cytogenetic location: 1q42.3.
Variant type: single nucleotide variant.
Coding change: c.11135A>G on transcript NM_000081.4 (MANE Select); coding-DNA position 11135, A replaced by G.
Protein change: p.Asn3712Ser; replaces asparagine 3712 with serine.
Molecular consequence: missense variant.
Genome position (GRCh38, 1-based): chr1:235,664,525, T>C on the plus strand (A>G on the coding strand, the complement: LYST is on the minus strand). VCF-style: chr1-235664525-T-C. GRCh37 (hg19) VCF-style: chr1-235827825-T-C.
Other names: c.11135A>G, p.Asn3712Ser (NM_001301365.1); short protein forms N3712S.
Identifiers: ClinVar variation 839823 (VCV000839823.4), dbSNP rs1283420405, ClinGen allele CA344986793.

ClinVar aggregate classification (germline): Uncertain significance (1 of 4 stars; one submission).

Conditions:
Chédiak-Higashi syndrome (CHS). Also called: Chediak-Higashi Syndrome. Identifiers: Orphanet 167, MedGen C0007965, MONDO:0008963, OMIM 214500.

Allele frequency attached by ClinVar (database versions not stated): gnomAD exomes 0.00001; TOPMed below 0.00001; gnomAD 0.00001.
gnomAD v4.1: 13 of 1,614,072 alleles (0.00081%); highest among the groups gnomAD compares: Non-Finnish European, 0.0011%; no homozygotes.

Submission:

Labcorp Genetics (formerly Invitae), Labcorp
Classification: Uncertain significance for Chédiak-Higashi syndrome. Last evaluated: 2022-06-01. Review status: criteria provided, single submitter. Criteria: Invitae Variant Classification Sherloc (09022015). Collection method: clinical testing. Allele origin: germline.
Comment: This sequence change replaces asparagine, which is neutral and polar, with serine, which is neutral and polar, at codon 3712 of the LYST protein (p.Asn3712Ser). This variant is not present in population databases (gnomAD no frequency). This variant has not been reported in the literature in individuals affected with LYST-related conditions. ClinVar contains an entry for this variant (Variation ID: 839823). Algorithms developed to predict the effect of missense changes on protein structure and function are either unavailable or do not agree on the potential impact of this missense change (SIFT: "Tolerated"; PolyPhen-2: "Probably Damaging"; Align-GVGD: "Class C0"). Algorithms developed to predict the effect of sequence changes on RNA splicing suggest that this variant may create or strengthen a splice site. In summary, the available evidence is currently insufficient to determine the role of this variant in disease. Therefore, it has been classified as a Variant of Uncertain Significance.